The following is an entry in ClinVar:

ClinVar aggregate classification (germline): Uncertain significance (1 of 4 stars; one submission).

Submission:

Labcorp Genetics (formerly Invitae), Labcorp
Classification: Uncertain significance. Last evaluated: 2025-03-05. Review status: criteria provided, single submitter. Criteria: Invitae Variant Classification Sherloc (09022015). Collection method: clinical testing. Allele origin: germline.
Comment: This sequence change replaces proline, which is neutral and non-polar, with serine, which is neutral and polar, at codon 690 of the ALPK3 protein (p.Pro690Ser). This variant is not present in population databases (gnomAD no frequency). This variant has not been reported in the literature in individuals affected with ALPK3-related conditions. Invitae Evidence Modeling of protein sequence and biophysical properties (such as structural, functional, and spatial information, amino acid conservation, physicochemical variation, residue mobility, and thermodynamic stability) indicates that this missense variant is not expected to disrupt ALPK3 protein function with a negative predictive value of 80%. In summary, the available evidence is currently insufficient to determine the role of this variant in disease. Therefore, it has been classified as a Variant of Uncertain Significance.

NM_020778.5(ALPK3):c.1462C>T (p.Pro488Ser)

Gene: ALPK3 (alpha kinase 3; plus strand). Cytogenetic location: 15q25.3.
Variant type: single nucleotide variant.
Coding change: c.1462C>T on transcript NM_020778.5 (MANE Select); coding-DNA position 1462, C replaced by T.
Protein change: p.Pro488Ser; replaces proline 488 with serine.
Molecular consequence: missense variant.
Genome position (GRCh38, 1-based): chr15:84,840,741, C>T. VCF-style: chr15-84840741-C-T. GRCh37 (hg19) VCF-style: chr15-85383972-C-T.
Other names: short protein forms P488S.
Identifiers: ClinVar variation 4767321 (VCV004767321.1).